The following is an entry in ClinVar:

ClinVar aggregate classification (germline): Likely pathogenic (1 of 4 stars; one submission).

Conditions:
X-linked Alport syndrome (ATS1). Also called: NEPHROPATHY AND DEAFNESS, X-LINKED; COL4A5-Related Nephropathy. Identifiers: Orphanet 63, Orphanet 88917, MedGen C4746986, MONDO:0010520, OMIM 301050.

Submission:

Natera, Inc.
Classification: Likely pathogenic for X-linked Alport syndrome. Last evaluated: 2025-09-10. Review status: criteria provided, single submitter. Criteria: Natera Variant Classification Schema (03/2026). Collection method: clinical testing. Allele origin: germline.
Comment: The c.4154G>A variant in COL4A5 is a missense variant predicted to cause substitution of glycine to glutamic acid at amino acid 1385. This variant is rare in the general population with a frequency below the threshold expected for the associated phenotype(s). This variant has been observed in affected individual(s) with monoallelic occurrence (heterozygous/hemizygous) (PMID: 25575550). This variant is located in a functionally critical region of the protein. Computational prediction algorithms indicate this variant is likely to affect gene or protein function. Given the available evidence, this variant is classified as Likely Pathogenic.

Literature cited by the submitters: PubMed 25575550.

NM_033380.3(COL4A5):c.4172G>A (p.Gly1391Glu)

Gene: COL4A5 (collagen type IV alpha 5 chain; plus strand). Cytogenetic location: Xq22.3.
Variant type: single nucleotide variant.
Coding change: c.4172G>A on transcript NM_033380.3 (MANE Select); coding-DNA position 4172, G replaced by A.
Protein change: p.Gly1391Glu; replaces glycine 1391 with glutamic acid.
Molecular consequence: missense variant.
Genome position (GRCh38, 1-based): chrX:108,681,844, G>A. VCF-style: chrX-108681844-G-A. GRCh37 (hg19) VCF-style: chrX-107925074-G-A.
Other names: c.4154G>A, p.Gly1385Glu (NM_000495.5); short protein forms G1385E, G1391E.
Identifiers: ClinVar variation 4818588 (VCV004818588.1).